The following is an entry in ClinVar:

ClinVar aggregate classification (germline): Uncertain significance (1 of 4 stars; one submission).

Conditions:
Temtamy syndrome (TEMTYS). Also called: MENTAL RETARDATION WITH OR WITHOUT CRANIOFACIAL DYSMORPHISM, OCULAR COLOBOMA, OR ABNORMAL CORPUS CALLOSUM. Identifiers: Orphanet 1777, MedGen C1857512, MONDO:0009033, OMIM 218340.

Allele frequency attached by ClinVar (database versions not stated): gnomAD exomes 0.00001 and 0.00004; ExAC 0.00006; gnomAD 0.00009 and 0.00011; TOPMed 0.00014; ESP Exome Variant Server 0.00023.

Submission:

Labcorp Genetics (formerly Invitae), Labcorp
Classification: Uncertain significance for Temtamy syndrome. Last evaluated: 2024-06-03. Review status: criteria provided, single submitter. Criteria: Invitae Variant Classification Sherloc (09022015). Collection method: clinical testing. Allele origin: germline.
Comment: This sequence change replaces proline, which is neutral and non-polar, with serine, which is neutral and polar, at codon 114 of the C12orf57 protein (p.Pro114Ser). This variant is present in population databases (rs371237102, gnomAD 0.05%). This variant has not been reported in the literature in individuals affected with C12orf57-related conditions. ClinVar contains an entry for this variant (Variation ID: 1039631). An algorithm developed to predict the effect of missense changes on protein structure and function (PolyPhen-2) suggests that this variant is likely to be disruptive. In summary, the available evidence is currently insufficient to determine the role of this variant in disease. Therefore, it has been classified as a Variant of Uncertain Significance.

NM_138425.4(C12orf57):c.340C>T (p.Pro114Ser)

Gene: C12orf57 (chromosome 12 open reading frame 57; plus strand). Cytogenetic location: 12p13.31.
Variant type: single nucleotide variant.
Coding change: c.340C>T on transcript NM_138425.4 (MANE Select); coding-DNA position 340, C replaced by T.
Protein change: p.Pro114Ser; replaces proline 114 with serine.
Molecular consequence: missense variant. On other transcripts: non-coding transcript variant (1).
Genome position (GRCh38, 1-based): chr12:6,945,881, C>T. VCF-style: chr12-6945881-C-T. GRCh37 (hg19) VCF-style: chr12-7055044-C-T.
Other names: c.340C>T, p.Pro114Ser (NM_001301834.1); c.301C>T, p.Pro101Ser (NM_001301836.2); c.253C>T, p.Pro85Ser (NM_001301837.2); c.235C>T, p.Pro79Ser (NM_001301838.2); short protein forms P114S, P85S, P101S, P79S.
Identifiers: ClinVar variation 1039631 (VCV001039631.7), dbSNP rs371237102, ClinGen allele CA6421360.